The following is an entry in ClinVar:

ClinVar aggregate classification (germline): Uncertain significance (1 of 4 stars; one submission).

Conditions:
Arginine:glycine amidinotransferase deficiency (CCDS3). Also called: Cerebral creatine deficiency syndrome 3; AGAT deficiency; L-Arginine:Glycine Amidinotransferase Deficiency; Creatine deficiency syndrome due to AGAT deficiency; GATM deficiency; L-Arginine:Glycine Amidinotransferase (AGAT) Deficiency. Identifiers: Orphanet 35704, MedGen C2675179, MONDO:0012996, OMIM 612718.

Submission:

Labcorp Genetics (formerly Invitae), Labcorp
Classification: Uncertain significance for Arginine:glycine amidinotransferase deficiency. Last evaluated: 2024-03-10. Review status: criteria provided, single submitter. Criteria: Invitae Variant Classification Sherloc (09022015). Collection method: clinical testing. Allele origin: germline.
Comment: This sequence change replaces lysine, which is basic and polar, with isoleucine, which is neutral and non-polar, at codon 237 of the GATM protein (p.Lys237Ile). This variant is not present in population databases (gnomAD no frequency). This variant has not been reported in the literature in individuals affected with GATM-related conditions. An algorithm developed to predict the effect of missense changes on protein structure and function (PolyPhen-2) suggests that this variant is likely to be tolerated. In summary, the available evidence is currently insufficient to determine the role of this variant in disease. Therefore, it has been classified as a Variant of Uncertain Significance.

NM_001482.3(GATM):c.710A>T (p.Lys237Ile)

Gene: GATM (glycine amidinotransferase; minus strand). Cytogenetic location: 15q21.1.
Variant type: single nucleotide variant.
Coding change: c.710A>T on transcript NM_001482.3 (MANE Select); coding-DNA position 710, A replaced by T.
Protein change: p.Lys237Ile; replaces lysine 237 with isoleucine.
Molecular consequence: missense variant.
Genome position (GRCh38, 1-based): chr15:45,366,474, T>A on the plus strand (A>T on the coding strand, the complement: GATM is on the minus strand). VCF-style: chr15-45366474-T-A. GRCh37 (hg19) VCF-style: chr15-45658672-T-A.
Other names: c.323A>T, p.Lys108Ile (NM_001321015.2); short protein forms K108I, K237I.
Identifiers: ClinVar variation 2701745 (VCV002701745.3), dbSNP rs764877849, ClinGen allele CA392259269.